The following is an entry in ClinVar:

ClinVar aggregate classification (germline): Uncertain significance (1 of 4 stars; one submission).

Submission:

GeneDx
Classification: Uncertain significance. Last evaluated: 2024-08-07. Review status: criteria provided, single submitter. Criteria: GeneDx Variant Classification Process June 2021. Collection method: clinical testing. Allele origin: germline. Affected: yes.
Comment: Not observed at significant frequency in large population cohorts (gnomAD); In-frame insertion of 1 amino acids in a non-repeat region; Has not been previously published as pathogenic or benign to our knowledge

NM_012398.3(PIP5K1C):c.1486_1488dup (p.Ser496_Tyr497insSer)

Gene: PIP5K1C (phosphatidylinositol-4-phosphate 5-kinase type 1 gamma; minus strand). Cytogenetic location: 19p13.3.
Variant type: Duplication.
Coding change: c.1486_1488dup on transcript NM_012398.3 (MANE Select); coding-DNA positions 1486 to 1488, 3 bases duplicated (AGC; older notation c.1486_1488dupAGC).
Protein change: p.Ser496_Tyr497insSer.
Genome position (GRCh38, 1-based): chr19:3,644,109-3,644,111, GCT duplicated on the plus strand (AGC on the coding strand, the reverse complement: PIP5K1C is on the minus strand); duplicating any 3 consecutive bases within chr19:3,644,109-3,644,113 gives the same sequence; the c. name uses the placement nearest the transcript's 3' end. VCF-style (leftmost placement, unchanged base first): chr19-3644108-A-AGCT. GRCh37 (hg19) VCF-style: chr19-3644106-A-AGCT.
Other names: c.1486_1488dup, p.Ser496_Tyr497insSer (NM_001195733.2, NM_001300849.2).
Identifiers: ClinVar variation 3731009 (VCV003731009.1).
Genomic context (GRCh38, chr19:3,644,108, plus strand): 5'-TGTAGCGCCCACAAGCGCACTCTGCCCTCTGCCCCTCACCTTCGTCCTCCAGCGTGGGGT[A>AGCT]GCTGCGGGCCCCCCGCAGGTCGTACTGGGCCTCCTCCCGCTCGCTAGGGATCTGGCTGGC-3'